The following is an entry in ClinVar:

ClinVar aggregate classification (germline): Pathogenic. Review status: criteria provided, multiple submitters, no conflicts (2 of 4 stars). 2 submissions from 2 submitters: Pathogenic (2). Last evaluated 2018-03-27.

Conditions:
Hereditary cancer-predisposing syndrome. Also called: Hereditary neoplastic syndrome; Neoplastic Syndromes, Hereditary; Tumor predisposition; Hereditary Cancer Syndrome. Identifiers: Orphanet 140162, MedGen C0027672, MeSH D009386, MONDO:0015356.
Hereditary breast ovarian cancer syndrome. Also called: Hereditary breast and ovarian cancer syndrome (HBOC); BRCA1- and BRCA2-Associated Hereditary Breast and Ovarian Cancer; Hereditary breast and ovarian cancer syndrome; Breast and ovarian cancer; Hereditary breast and ovarian cancer; Hereditary breast and/or ovarian cancer syndrome. Identifiers: Orphanet 145, MedGen C0677776, MeSH D061325, MONDO:0003582. Disease mechanism: loss of function.

Submissions (2):

Ambry Genetics
Classification: Pathogenic for Hereditary cancer-predisposing syndrome. Last evaluated: 2018-03-27. Review status: criteria provided, single submitter. Criteria: Ambry Variant Classification Scheme 2023. Collection method: clinical testing. Allele origin: germline.
Comment: The c.4810dupC pathogenic mutation, located in coding exon 10 of the BRCA2 gene, results from a duplication of C at nucleotide position 4810, causing a translational frameshift with a predicted alternate stop codon (p.L1604Pfs*5). This alteration is expected to result in loss of function by premature protein truncation or nonsense-mediated mRNA decay. As such, this alteration is interpreted as a disease-causing mutation.

Labcorp Genetics (formerly Invitae), Labcorp
Classification: Pathogenic for Hereditary breast ovarian cancer syndrome. Last evaluated: 2017-12-25. Review status: criteria provided, single submitter. Criteria: Invitae Variant Classification Sherloc (09022015). Collection method: clinical testing. Allele origin: germline.
Comment: Loss-of-function variants in BRCA2 are known to be pathogenic (PMID: 20104584). This variant has not been reported in the literature in individuals with BRCA2-related disease. For these reasons, this variant has been classified as Pathogenic. This sequence change creates a premature translational stop signal (p.Leu1604Profs*5) in the BRCA2 gene. It is expected to result in an absent or disrupted protein product. This variant is not present in population databases (ExAC no frequency).

Literature cited by the submitters: PubMed 20104584 (cited by Labcorp Genetics (formerly Invitae), Labcorp).

NM_000059.4(BRCA2):c.4810dup (p.Leu1604fs)

Gene: BRCA2 (BRCA2 DNA repair associated; plus strand). Cytogenetic location: 13q13.1.
Variant type: Duplication.
Coding change: c.4810dup on transcript NM_000059.4 (MANE Select); coding-DNA position 4810, one base duplicated (C; older notation c.4810dupC).
Protein change: p.Leu1604fs; shifts the reading frame from leucine 1604.
Molecular consequence: frameshift variant.
Genome position (GRCh38, 1-based): chr13:32,339,165, C duplicated; the last of 2 consecutive C bases (chr13:32,339,164-32,339,165); duplicating either gives the same sequence. VCF-style (leftmost placement, unchanged base first): chr13-32339163-A-AC. GRCh37 (hg19) VCF-style: chr13-32913300-A-AC.
Other names: c.4810dupC (NM_000059.3); short protein forms L1604fs.
Identifiers: ClinVar variation 531329 (VCV000531329.9), dbSNP rs1555283942, ClinGen allele CA658798097.